The following is an entry in ClinVar:

NM_152594.3(SPRED1):c.532T>A (p.Phe178Ile)

Gene: SPRED1 (sprouty related EVH1 domain containing 1; plus strand). Cytogenetic location: 15q14.
Variant type: single nucleotide variant.
Coding change: c.532T>A on transcript NM_152594.3 (MANE Select); coding-DNA position 532, T replaced by A.
Protein change: p.Phe178Ile; replaces phenylalanine 178 with isoleucine.
Molecular consequence: missense variant.
Genome position (GRCh38, 1-based): chr15:38,339,845, T>A. VCF-style: chr15-38339845-T-A. GRCh37 (hg19) VCF-style: chr15-38632046-T-A.
Other names: short protein forms F178I.
Identifiers: ClinVar variation 4843969 (VCV004843969.1).
Genomic context (GRCh38, chr15:38,339,845, plus strand): 5'-CAGCAAGAGACAGTTGTTACCAGTGAGCCTTATAGAAGCTCAAATATAAGACCTTCTCCC[T>A]TTGAAGATCTGAATGCCAGAAGAGTCTACATGCAAAGCCAAGCCAATCAGGTAAGAAGAT-3'
Protein context (NP_689807.1, residues 168-188): YRSSNIRPSP[Phe178Ile]EDLNARRVYM

ClinVar aggregate classification (germline): Uncertain significance (1 of 4 stars; one submission).

Conditions:
Cardiovascular phenotype. Identifiers: MedGen CN230736.

Submission:

Ambry Genetics
Classification: Uncertain significance for Cardiovascular phenotype. Last evaluated: 2025-12-22. Review status: criteria provided, single submitter. Criteria: Ambry Variant Classification Scheme 2023. Collection method: clinical testing. Allele origin: germline.
Comment: The p.F178I variant (also known as c.532T>A), located in coding exon 5 of the SPRED1 gene, results from a T to A substitution at nucleotide position 532. The phenylalanine at codon 178 is replaced by isoleucine, an amino acid with highly similar properties. This amino acid position is conserved. In addition, this alteration is predicted to be tolerated by in silico analysis. Based on the available evidence, the clinical significance of this variant remains unclear.